The following is an entry in ClinVar:

ClinVar aggregate classification (germline): Benign/Likely benign. Review status: criteria provided, multiple submitters, no conflicts (2 of 4 stars). 3 submissions from 3 submitters: Benign (2); Likely benign (1). Last evaluated 2022-07-01.

Allele frequency attached by ClinVar (database versions not stated): 1000 Genomes Project 0.00120; 1000 Genomes Project 30x 0.00141; gnomAD 0.00288 and 0.00290; TOPMed 0.00288; ExAC 0.00303; gnomAD exomes 0.00315 and 0.00449; ESP Exome Variant Server 0.00423.

Submissions (3):

CeGaT Center for Human Genetics Tuebingen
Classification: Likely benign. Last evaluated: 2022-07-01. Review status: criteria provided, single submitter. Criteria: CeGaT Center For Human Genetics Tuebingen Variant Classification Criteria Version 2. Collection method: clinical testing. Allele origin: germline. Affected: yes. Observed: 1 variant allele.
Comment: MKI67: BP4, BP7

Labcorp Genetics (formerly Invitae), Labcorp
Classification: Benign. Last evaluated: 2017-06-07. Review status: criteria provided, single submitter. Criteria: Invitae Variant Classification Sherloc (09022015). Collection method: clinical testing. Allele origin: germline.

Breakthrough Genomics
Classification: Benign. Review status: criteria provided, single submitter. Criteria: ACMG Guidelines, 2015. Collection method: not provided. Allele origin: germline. Inheritance: Unknown mechanism. Affected: yes.

NM_002417.5(MKI67):c.6939A>G (p.Leu2313=)

Gene: MKI67 (marker of proliferation Ki-67; minus strand). Cytogenetic location: 10q26.2.
Variant type: single nucleotide variant.
Coding change: c.6939A>G on transcript NM_002417.5 (MANE Select); coding-DNA position 6939, A replaced by G.
Protein change: p.Leu2313=; no amino-acid change (leucine 2313 retained).
Molecular consequence: synonymous variant.
Genome position (GRCh38, 1-based): chr10:128,104,901, T>C on the plus strand (A>G on the coding strand, the complement: MKI67 is on the minus strand). VCF-style: chr10-128104901-T-C. GRCh37 (hg19) VCF-style: chr10-129903165-T-C.
Other names: c.5859A>G, p.Leu1953= (NM_001145966.2).
Identifiers: ClinVar variation 778038 (VCV000778038.28), dbSNP rs111515190, ClinGen allele CA5746294.